The following is an entry in ClinVar:

NM_001277115.2(DNAH11):c.13176G>C (p.Thr4392=)

Gene: DNAH11 (dynein axonemal heavy chain 11; plus strand). Cytogenetic location: 7p15.3.
Variant type: single nucleotide variant.
Coding change: c.13176G>C on transcript NM_001277115.2 (MANE Select); coding-DNA position 13176, G replaced by C.
Protein change: p.Thr4392=; no amino-acid change (threonine 4392 retained).
Molecular consequence: synonymous variant.
Genome position (GRCh38, 1-based): chr7:21,899,993, G>C. VCF-style: chr7-21899993-G-C. GRCh37 (hg19) VCF-style: chr7-21939611-G-C.
Other names: p.Thr4392=.
Identifiers: ClinVar variation 221196 (VCV000221196.28), dbSNP rs79449551, ClinGen allele CA348164.
Genomic context (GRCh38, chr7:21,899,993, plus strand): 5'-TACATGCAACACTTTTATCCTATTCAATTTTTGTTATATTTCCAAAGCAATCATGCAGAC[G>C]ATGGCTCGAAAAAATGAGTGGCCCCTGGATAAAACGCGCTTGACTGCTGATGTTACCAAA-3'
Protein context (NP_001264044.1, residues 4382-4402): PQSFLTAIMQ[Thr4392=]MARKNEWPLD

ClinVar aggregate classification (germline): Benign/Likely benign. Review status: criteria provided, multiple submitters, no conflicts (2 of 4 stars). 7 submissions from 7 submitters: Benign (5); Likely benign (2). Last evaluated 2026-01-26.

Conditions:
Primary ciliary dyskinesia. Also called: Ciliary dyskinesia. Identifiers: Orphanet 244, MedGen C0008780, MONDO:0016575, HP:0012265.
Primary ciliary dyskinesia 7. Also called: CILIARY DYSKINESIA, PRIMARY, 7, WITH OR WITHOUT SITUS INVERSUS. Identifiers: Orphanet 244, MedGen C2678473, MONDO:0012748, OMIM 611884.

Allele frequency attached by ClinVar (database versions not stated): ESP Exome Variant Server 0.00771; gnomAD 0.00817; TOPMed 0.00865; 1000 Genomes Project 0.00899; 1000 Genomes Project 30x 0.01015.
gnomAD v4.1: 2,570 of 1,613,794 alleles (0.16%); highest among the groups gnomAD compares: African/African-American, 3%; 42 homozygotes.

Submissions (7):

Labcorp Genetics (formerly Invitae), Labcorp
Classification: Benign for Primary ciliary dyskinesia. Last evaluated: 2026-01-26. Review status: criteria provided, single submitter. Criteria: Invitae Variant Classification Sherloc (09022015). Collection method: clinical testing. Allele origin: germline.

ARUP Laboratories, Molecular Genetics and Genomics, ARUP Laboratories
Classification: Benign for Primary ciliary dyskinesia 7. Last evaluated: 2024-10-18. Review status: criteria provided, single submitter. Criteria: ARUP Molecular Germline Variant Investigation Process 2024. Collection method: clinical testing. Allele origin: germline.

Mayo Clinic Laboratories, Mayo Clinic
Classification: Benign. Last evaluated: 2024-01-03. Review status: criteria provided, single submitter. Criteria: ACMG Guidelines, 2015. Collection method: clinical testing. Allele origin: germline. Observed: 3 variant alleles.
Comment: BA1, BS2, BP4, BP7

GeneDx
Classification: Likely benign. Last evaluated: 2021-09-24. Review status: criteria provided, single submitter. Criteria: GeneDx Variant Classification Process June 2021. Collection method: clinical testing. Allele origin: germline. Affected: yes.

Ambry Genetics
Classification: Benign for Primary ciliary dyskinesia. Last evaluated: 2015-08-17. Review status: criteria provided, single submitter. Criteria: Ambry Variant Classification Scheme 2023. Collection method: clinical testing. Allele origin: germline.

Breakthrough Genomics
Classification: Likely benign. Review status: criteria provided, single submitter. Criteria: ACMG Guidelines, 2015. Collection method: not provided. Allele origin: germline. Inheritance: Autosomal recessive inheritance. Affected: yes.

PreventionGenetics, part of Exact Sciences
Classification: Benign. Review status: criteria provided, single submitter. Criteria: ACMG Guidelines, 2015. Collection method: clinical testing. Allele origin: germline.